The following is an entry in ClinVar:

NM_006231.4(POLE):c.5672_5674del (p.Thr1891del)

Gene: POLE (DNA polymerase epsilon, catalytic subunit; minus strand). Cytogenetic location: 12q24.33.
Variant type: Deletion.
Coding change: c.5672_5674del on transcript NM_006231.4 (MANE Select); coding-DNA positions 5672 to 5674, 3 bases deleted (CCA; older notation c.5672_5674delCCA).
Protein change: p.Thr1891del; deletes threonine 1891.
Molecular consequence: inframe deletion.
Genome position (GRCh38, 1-based): chr12:132,638,018-132,638,020, TGG deleted on the plus strand (CCA on the coding strand, the reverse complement: POLE is on the minus strand); deleting any 3 consecutive bases within chr12:132,638,018-132,638,022 gives the same sequence; the c. name uses the placement nearest the transcript's 3' end. VCF-style (leftmost placement, unchanged base first): chr12-132638017-CTGG-C. GRCh37 (hg19) VCF-style: chr12-133214603-CTGG-C.
Other names: c.5672_5674delCCA (NM_006231.3); short protein forms T1891del.
Identifiers: ClinVar variation 484509 (VCV000484509.17), dbSNP rs769630098, ClinGen allele CA6892443.
Genomic context (GRCh38, chr12:132,638,017, plus strand): 5'-ATTTTAGCATCCCTCTCAAAGCCACAGTGCTGCGTCACCAGGACCAGCCAGCCGCACCTG[CTGG>C]TGATGTACTCCACGTAAGCGATGGCATCTTCCACACGGCGCTTCTTTGTACAGAGGATGA-3'

ClinVar aggregate classification (germline): Conflicting classifications of pathogenicity. Review status: criteria provided, conflicting classifications (1 of 4 stars). 3 submissions from 3 submitters: Pathogenic (1); Likely pathogenic (1); Uncertain significance (1). Last evaluated 2025-05-22.

Conditions:
Intrauterine growth retardation, metaphyseal dysplasia, adrenal hypoplasia congenita, genital anomalies, and immunodeficiency. Also called: IMAGEI SYNDROME. Identifiers: MedGen C5193036, MONDO:0032684, OMIM 618336.
Hereditary cancer-predisposing syndrome. Also called: Tumor predisposition; Neoplastic Syndromes, Hereditary; Hereditary Cancer Syndrome; Hereditary neoplastic syndrome. Identifiers: Orphanet 140162, MedGen C0027672, MeSH D009386, MONDO:0015356.

Submissions (3):

Labcorp Genetics (formerly Invitae), Labcorp
Classification: Likely pathogenic. Last evaluated: 2025-05-22. Review status: criteria provided, single submitter. Criteria: Invitae Variant Classification Sherloc (09022015). Collection method: clinical testing. Allele origin: germline.
Comment: This variant, c.5672_5674del, results in the deletion of 1 amino acid(s) of the POLE protein (p.Thr1891del), but otherwise preserves the integrity of the reading frame. This variant is present in population databases (rs769630098, gnomAD 0.02%). This variant has been observed in individual(s) with congenital transfusion-dependent anaemia (PMID: 37833059). In at least one individual the data is consistent with being in trans (on the opposite chromosome) from a pathogenic variant. It has also been observed to segregate with disease in related individuals. ClinVar contains an entry for this variant (Variation ID: 484509). Algorithms developed to predict the effect of variants on gene product structure and function are not available or were not evaluated for this variant. Experimental studies have shown that this variant affects POLE function (PMID: 37833059). In summary, the currently available evidence indicates that the variant is pathogenic, but additional data are needed to prove that conclusively. Therefore, this variant has been classified as Likely Pathogenic.

Department of Maternal-Fetal Biology, National Research Institute for Child Health and Development
Classification: Pathogenic for Intrauterine growth retardation, metaphyseal dysplasia, adrenal hypoplasia congenita, genital anomalies, and immunodeficiency. Last evaluated: 2022-01-01. Review status: criteria provided, single submitter. Criteria: ACMG Guidelines, 2015. Collection method: research. Allele origin: paternal. Affected: yes. Observed: 1 variant allele.

Ambry Genetics
Classification: Uncertain significance for Hereditary cancer-predisposing syndrome. Last evaluated: 2019-10-30. Review status: criteria provided, single submitter. Criteria: Ambry Variant Classification Scheme 2023. Collection method: clinical testing. Allele origin: germline.
Comment: The c.5672_5674delCCA variant (also known as p.T1891del) is located in coding exon 41 of the POLE gene. This variant results from an in-frame deletion of 3 nucleotides at positions 5672 to 5674 and causes the removal of a well-conserved threonine residue at codon 1891. This amino acid position is well conserved in available vertebrate species. In addition, this alteration is predicted to be deleterious by in silico analysis (Choi Y et al. PLoS ONE. 2012; 7(10):e46688). Since supporting evidence is limited at this time, the clinical significance of this alteration remains unclear.

Literature cited by the submitters: PubMed 37833059 (cited by Labcorp Genetics (formerly Invitae), Labcorp).